The following is an entry in ClinVar:

ClinVar aggregate classification (germline): Uncertain significance (1 of 4 stars; one submission).

Conditions:
Arrhythmogenic cardiomyopathy with wooly hair and keratoderma. Also called: Arrhythmogenic cardiomyopathy with woolly hair and keratoderma; PALMOPLANTAR KERATODERMA WITH LEFT VENTRICULAR CARDIOMYOPATHY AND WOOLLY HAIR; Carvajal syndrome; Dilated cardiomyopathy with woolly hair and keratoderma. Identifiers: Orphanet 65282, MedGen C1854063, MONDO:0011581, OMIM 605676.
Arrhythmogenic right ventricular dysplasia 8 (ARVD8). Also called: Arrhythmogenic Right Ventricular Dysplasia/Cardiomyopathy 8; ARRHYTHMOGENIC RIGHT VENTRICULAR DYSPLASIA, FAMILIAL, 8; ARRHYTHMOGENIC RIGHT VENTRICULAR CARDIOMYOPATHY 8. Identifiers: MedGen C1843896, MONDO:0011831, OMIM 607450.

gnomAD v4.1: 4 of 1,610,190 alleles (0.00025%); highest among the groups gnomAD compares: Non-Finnish European, 0.00025%; no homozygotes.

Submission:

Labcorp Genetics (formerly Invitae), Labcorp
Classification: Uncertain significance for Arrhythmogenic cardiomyopathy with wooly hair and keratoderma; Arrhythmogenic right ventricular dysplasia 8. Last evaluated: 2024-07-30. Review status: criteria provided, single submitter. Criteria: Invitae Variant Classification Sherloc (09022015). Collection method: clinical testing. Allele origin: germline.
Comment: This sequence change replaces asparagine, which is neutral and polar, with serine, which is neutral and polar, at codon 4 of the DSP protein (p.Asn4Ser). This variant is present in population databases (rs776818826, gnomAD 0.002%). This variant has not been reported in the literature in individuals affected with DSP-related conditions. An algorithm developed to predict the effect of missense changes on protein structure and function (PolyPhen-2) suggests that this variant is likely to be tolerated. In summary, the available evidence is currently insufficient to determine the role of this variant in disease. Therefore, it has been classified as a Variant of Uncertain Significance.

NM_004415.4(DSP):c.11A>G (p.Asn4Ser)

Genes: DSP-AS1 (DSP antisense RNA 1; minus strand), DSP (desmoplakin; plus strand). Cytogenetic location: 6p24.3.
Variant type: single nucleotide variant.
Coding change: c.11A>G on transcript NM_004415.4 (MANE Select); coding-DNA position 11, A replaced by G.
Protein change: p.Asn4Ser; replaces asparagine 4 with serine.
Molecular consequence: missense variant.
Genome position (GRCh38, 1-based): chr6:7,541,926, A>G. VCF-style: chr6-7541926-A-G. GRCh37 (hg19) VCF-style: chr6-7542159-A-G.
Other names: c.11A>G, p.Asn4Ser (NM_001008844.3, NM_001319034.2, NM_001406591.1); short protein forms N4S.
Identifiers: ClinVar variation 3761267 (VCV003761267.2).